The following is an entry in ClinVar:

ClinVar aggregate classification (germline): Uncertain significance (1 of 4 stars; one submission).

Conditions:
PLXNA3-related disorder. Also called: PLXNA3-related condition.

Allele frequency attached by ClinVar (database versions not stated): ExAC 0.00001; ESP Exome Variant Server 0.00009; gnomAD 0.00012; TOPMed 0.00014.

Submission:

PreventionGenetics, part of Exact Sciences
Classification: Uncertain significance for PLXNA3-related condition. Last evaluated: 2026-02-16. Review status: criteria provided, single submitter. Criteria: ACMG Guidelines, 2015. Collection method: clinical testing. Allele origin: germline.
Comment: The PLXNA3 c.1354G>C variant is predicted to result in the amino acid substitution p.Glu452Gln. To our knowledge, this variant has not been reported in the literature. This variant is reported in 0.032% of alleles in individuals of African descent in gnomAD, including three hemizygous individuals. Although we suspect that this variant may be benign, at this time, the clinical significance of this variant is uncertain due to the absence of conclusive functional and genetic evidence.

NM_017514.5(PLXNA3):c.1354G>C (p.Glu452Gln)

Gene: PLXNA3 (plexin A3; plus strand). Cytogenetic location: Xq28.
Variant type: single nucleotide variant.
Coding change: c.1354G>C on transcript NM_017514.5 (MANE Select); coding-DNA position 1354, G replaced by C.
Protein change: p.Glu452Gln; replaces glutamic acid 452 with glutamine.
Molecular consequence: missense variant.
Genome position (GRCh38, 1-based): chrX:154,463,427, G>C. VCF-style: chrX-154463427-G-C. GRCh37 (hg19) VCF-style: chrX-153691770-G-C.
Other names: short protein forms E452Q.
Identifiers: ClinVar variation 2628919 (VCV002628919.4), dbSNP rs148993102, ClinGen allele CA10564014.
Genomic context (GRCh38, chrX:154,463,427, plus strand): 5'-CATCAGGCTGGTCTTGTGGCTCAGGTGCGGGTCGATGGCTTCCAGGATGCCCACCTGTAT[G>C]AGACAGTCCCCGTGGTGGATGGCAGCCCCATCCTCCGAGACCTGCTCTTCAGCCCGGACC-3'
Protein context (NP_059984.3, residues 442-462): VDGFQDAHLY[Glu452Gln]TVPVVDGSPI